The following is an entry in ClinVar:

NM_001184.4(ATR):c.4821C>G (p.Ser1607Arg)

Gene: ATR (ATR checkpoint kinase; minus strand). Cytogenetic location: 3q23.
Variant type: single nucleotide variant.
Coding change: c.4821C>G on transcript NM_001184.4 (MANE Select); coding-DNA position 4821, C replaced by G.
Protein change: p.Ser1607Arg; replaces serine 1607 with arginine.
Molecular consequence: missense variant.
Genome position (GRCh38, 1-based): chr3:142,512,291, G>C on the plus strand (C>G on the coding strand, the complement: ATR is on the minus strand). VCF-style: chr3-142512291-G-C. GRCh37 (hg19) VCF-style: chr3-142231133-G-C.
Other names: c.4629C>G, p.Ser1543Arg (NM_001354579.2); short protein forms S1607R, S1543R.
Identifiers: ClinVar variation 2561339 (VCV002561339.2), dbSNP rs2108371229, ClinGen allele CA354794948.

ClinVar aggregate classification (germline): Uncertain significance (1 of 4 stars; one submission).

Conditions:
Inborn genetic diseases. Identifiers: MedGen C0950123, MeSH D030342.

Submission:

Ambry Genetics
Classification: Uncertain significance for Inborn genetic diseases. Last evaluated: 2023-04-16. Review status: criteria provided, single submitter. Criteria: Ambry Variant Classification Scheme 2023. Collection method: clinical testing. Allele origin: germline.
Comment: The p.S1607R variant (also known as c.4821C>G), located in coding exon 27 of the ATR gene, results from a C to G substitution at nucleotide position 4821. The serine at codon 1607 is replaced by arginine, an amino acid with dissimilar properties. This amino acid position is conserved. In addition, this alteration is predicted to be tolerated by in silico analysis. Since supporting evidence is limited at this time, the clinical significance of this alteration remains unclear.